The following is an entry in ClinVar:

ClinVar aggregate classification (germline): Pathogenic/Likely pathogenic. Review status: criteria provided, multiple submitters, no conflicts (2 of 4 stars). 2 submissions from 2 submitters: Pathogenic (1); Likely pathogenic (1). Last evaluated 2025-05-21.

Conditions:
Neurofibromatosis, type 1 (NF1). Also called: VON RECKLINGHAUSEN DISEASE; Neurofibromatosis, type I; NEUROFIBROMATOSIS, TYPE I, SOMATIC; Peripheral type neurofibromatosis. Identifiers: Orphanet 636, MedGen C0027831, MONDO:0018975, OMIM 162200. Disease mechanism: loss of function.

Submissions (2):

Quest Diagnostics Nichols Institute San Juan Capistrano
Classification: Likely pathogenic. Last evaluated: 2025-05-21. Review status: criteria provided, single submitter. Criteria: Quest Diagnostics criteria. Collection method: clinical testing. Allele origin: unknown.
Comment: The NF1 c.3645_3646insCACC (p.Gly1216Hisfs*3) variant alters the translational reading frame of the NF1 mRNA and is predicted to cause the premature termination of NF1 protein synthesis. This variant has not been reported in individuals with NF1-related conditions in the published literature. This variant has not been reported in large, multi-ethnic general populations (Genome Aggregation Database). Based on the available information, this variant is classified as likely pathogenic.

Labcorp Genetics (formerly Invitae), Labcorp
Classification: Pathogenic for Neurofibromatosis, type 1. Last evaluated: 2023-10-28. Review status: criteria provided, single submitter. Criteria: Invitae Variant Classification Sherloc (09022015). Collection method: clinical testing. Allele origin: germline.
Comment: This sequence change creates a premature translational stop signal (p.Gly1216Hisfs*3) in the NF1 gene. It is expected to result in an absent or disrupted protein product. Loss-of-function variants in NF1 are known to be pathogenic (PMID: 10712197, 23913538). This variant is not present in population databases (gnomAD no frequency). This variant has not been reported in the literature in individuals affected with NF1-related conditions. For these reasons, this variant has been classified as Pathogenic.

Literature cited by the submitters: PubMed 10712197 (cited by Labcorp Genetics (formerly Invitae), Labcorp); PubMed 23913538 (cited by Labcorp Genetics (formerly Invitae), Labcorp).

NM_001042492.3(NF1):c.3645_3646insCACC (p.Gly1216fs)

Gene: NF1 (neurofibromin 1; plus strand). Cytogenetic location: 17q11.2.
Variant type: Insertion.
Coding change: c.3645_3646insCACC on transcript NM_001042492.3 (MANE Select); coding-DNA positions 3645 to 3646, CACC inserted.
Protein change: p.Gly1216fs; shifts the reading frame from glycine 1216.
Molecular consequence: frameshift variant.
Genome position: GRCh38 VCF-style: chr17-31233150-G-GCACC. GRCh37 (hg19) VCF-style: chr17-29560168-G-GCACC.
Other names: c.3645_3646insCACC, p.Gly1216Hisfs (NM_000267.4); short protein forms G1216fs.
Identifiers: ClinVar variation 2772283 (VCV002772283.4), dbSNP rs2508240213, ClinGen allele CA2697559807.
Genomic context (GRCh38, chr17:31,233,150, plus strand): 5'-ACTTGCAGAAACAGTATTGGCTGATCGGTTTGAGAGATTGGTGGAACTGGTCACAATGAT[G>GCACC]GGTGATCAAGGAGAACTCCCTATAGCGATGGCTCTGGCCAATGTGGTTCCTTGTTCTCAG-3'